The following is an entry in ClinVar:

NM_016335.6(PRODH):c.457G>A (p.Glu153Lys)

Gene: PRODH (proline dehydrogenase 1; minus strand). Cytogenetic location: 22q11.21.
Variant type: single nucleotide variant.
Coding change: c.457G>A on transcript NM_016335.6 (MANE Select); coding-DNA position 457, G replaced by A.
Protein change: p.Glu153Lys; replaces glutamic acid 153 with lysine.
Molecular consequence: missense variant.
Genome position (GRCh38, 1-based): chr22:18,931,015, C>T on the plus strand (G>A on the coding strand, the complement: PRODH is on the minus strand). VCF-style: chr22-18931015-C-T. GRCh37 (hg19) VCF-style: chr22-18918528-C-T.
Other names: c.133G>A, p.Glu45Lys (NM_001195226.2); c.457G>A (NM_016335.4); short protein forms E153K, E45K.
Identifiers: ClinVar variation 1595623 (VCV001595623.11), dbSNP rs139870359, ClinGen allele CA10095440.
Genomic context (GRCh38, chr22:18,931,015, plus strand): 5'-GATCAGAAAGCCCGCAGACACCGGGCAGGCCTTACTCCATCTCCTTGTGCTCTGCCTCCT[C>T]GGGGCTCAGGTCCTCCTCCACTCCATAGTCCAGGATGGCGCTGACACCGAAGGCCCTGTA-3'
Protein context (NP_057419.5, residues 143-163): DYGVEEDLSP[Glu153Lys]EAEHKEMESC

ClinVar aggregate classification (germline): Conflicting classifications of pathogenicity. Review status: criteria provided, conflicting classifications (1 of 4 stars). 4 submissions from 4 submitters: Uncertain significance (2); Likely benign (2). Last evaluated 2026-01-22.

Conditions:
Inborn genetic diseases. Identifiers: MedGen C0950123, MeSH D030342.
Proline dehydrogenase deficiency (HYRPRO1). Also called: Hyperprolinemia type 1; PROLINE OXIDASE DEFICIENCY. Identifiers: Orphanet 419, MedGen C0268529, MONDO:0009400, OMIM 239500.

Allele frequency attached by ClinVar (database versions not stated): gnomAD exomes 0.00022; ExAC 0.00028; 1000 Genomes Project 0.00080; ESP Exome Variant Server 0.00092.

Submissions (4):

Labcorp Genetics (formerly Invitae), Labcorp
Classification: Likely benign for Proline dehydrogenase deficiency. Last evaluated: 2026-01-22. Review status: criteria provided, single submitter. Criteria: Invitae Variant Classification Sherloc (09022015). Collection method: clinical testing. Allele origin: germline.

Women's Health and Genetics/Laboratory Corporation of America, LabCorp
Classification: Likely benign. Last evaluated: 2024-10-02. Review status: criteria provided, single submitter. Criteria: LabCorp Variant Classification Summary - May 2015. Collection method: clinical testing. Allele origin: germline.
Comment: Variant summary: PRODH c.457G>A (p.Glu153Lys) results in a conservative amino acid change in the encoded protein sequence. Four of five in-silico tools predict a benign effect of the variant on protein function. The variant allele was found at a frequency of 0.00022 in 251022 control chromosomes, predominantly at a frequency of 0.0028 within the African or African-American subpopulation in the gnomAD database. The observed variant frequency within African or African-American control individuals in the gnomAD database exceeds the estimated maximal expected allele frequency for a pathogenic variant in PRODH causing Proline Dehydrogenase Deficiency phenotype. To our knowledge, no occurrence of c.457G>A in individuals affected with Proline Dehydrogenase Deficiency and no experimental evidence demonstrating its impact on protein function have been reported. ClinVar contains an entry for this variant (Variation ID: 1595623). Based on the evidence outlined above, the variant was classified as likely benign.

Blueprint Genetics
Classification: Uncertain significance. Last evaluated: 2024-08-05. Review status: criteria provided, single submitter. Criteria: ACMG Guidelines, 2015. Collection method: clinical testing. Allele origin: germline.

Ambry Genetics
Classification: Uncertain significance for Inborn genetic diseases. Last evaluated: 2021-02-19. Review status: criteria provided, single submitter. Criteria: Ambry Variant Classification Scheme 2023. Collection method: clinical testing. Allele origin: germline.
Comment: The c.457G>A (p.E153K) alteration is located in exon 3 (coding exon 2) of the PRODH gene. This alteration results from a G to A substitution at nucleotide position 457, causing the glutamic acid (E) at amino acid position 153 to be replaced by a lysine (K). The p.E153K alteration is predicted to be tolerated by in silico analysis. Based on insufficient or conflicting evidence, the clinical significance of this alteration remains unclear.